The following is an entry in ClinVar:

NM_000069.3(CACNA1S):c.2534T>C (p.Val845Ala)

Gene: CACNA1S (calcium voltage-gated channel subunit alpha1 S; minus strand). Cytogenetic location: 1q32.1.
Variant type: single nucleotide variant.
Coding change: c.2534T>C on transcript NM_000069.3 (MANE Select); coding-DNA position 2534, T replaced by C.
Protein change: p.Val845Ala; replaces valine 845 with alanine.
Molecular consequence: missense variant.
Genome position (GRCh38, 1-based): chr1:201,069,153, A>G on the plus strand (T>C on the coding strand, the complement: CACNA1S is on the minus strand). VCF-style: chr1-201069153-A-G. GRCh37 (hg19) VCF-style: chr1-201038281-A-G.
Other names: short protein forms V845A.
Identifiers: ClinVar variation 4791054 (VCV004791054.1).

ClinVar aggregate classification (germline): Uncertain significance (1 of 4 stars; one submission).

Conditions:
Malignant hyperthermia, susceptibility to, 5 (MHS5). Also called: CACNA1S-Related Malignant Hyperthermia Susceptibility. Identifiers: Orphanet 423, MedGen C1866077, MONDO:0011163, OMIM 601887.
Hypokalemic periodic paralysis, type 1. Also called: HypoPP; Hypokalemic Periodic Paralysis Type 1 (AD). Identifiers: Orphanet 681, MedGen C3714580, MONDO:0042979, OMIM 170400.

Submission:

Labcorp Genetics (formerly Invitae), Labcorp
Classification: Uncertain significance for Hypokalemic periodic paralysis, type 1; Malignant hyperthermia, susceptibility to, 5. Last evaluated: 2025-11-24. Review status: criteria provided, single submitter. Criteria: Invitae Variant Classification Sherloc (09022015). Collection method: clinical testing. Allele origin: germline.
Comment: This sequence change replaces valine, which is neutral and non-polar, with alanine, which is neutral and non-polar, at codon 845 of the CACNA1S protein (p.Val845Ala). This variant is not present in population databases (gnomAD no frequency). This variant has not been reported in the literature in individuals affected with CACNA1S-related conditions. Invitae Evidence Modeling of protein sequence and biophysical properties (such as structural, functional, and spatial information, amino acid conservation, physicochemical variation, residue mobility, and thermodynamic stability) indicates that this missense variant is not expected to disrupt CACNA1S protein function with a negative predictive value of 95%. In summary, the available evidence is currently insufficient to determine the role of this variant in disease. Therefore, it has been classified as a Variant of Uncertain Significance.